The following is an entry in ClinVar:

ClinVar aggregate classification (germline): Likely benign. Review status: criteria provided, multiple submitters, no conflicts (2 of 4 stars). 4 submissions from 4 submitters: Likely benign (4). Last evaluated 2026-01-20.

Conditions:
Autosomal recessive limb-girdle muscular dystrophy type 2A (LGMDR1). Also called: Muscular dystrophy, limb-girdle, type 2A, Amish; LEYDEN-MOEBIUS MUSCULAR DYSTROPHY; MUSCULAR DYSTROPHY, PELVOFEMORAL; Limb-girdle muscular dystrophy, type 2A; Calpainopathy. Identifiers: Orphanet 267, MedGen C1869123, MONDO:0009675, OMIM 253600. Disease mechanism: loss of function.

Allele frequency attached by ClinVar (database versions not stated): gnomAD exomes 0.00003 and 0.00006; ExAC 0.00004; gnomAD 0.00005 and 0.00006; TOPMed 0.00006; ESP Exome Variant Server 0.00015.
gnomAD v4.1: 106 of 1,614,012 alleles (0.0066%); highest among the groups gnomAD compares: Non-Finnish European, 0.0081%; no homozygotes.

Submissions (4):

Labcorp Genetics (formerly Invitae), Labcorp
Classification: Likely benign for Autosomal recessive limb-girdle muscular dystrophy type 2A. Last evaluated: 2026-01-20. Review status: criteria provided, single submitter. Criteria: Invitae Variant Classification Sherloc (09022015). Collection method: clinical testing. Allele origin: germline.

Blueprint Genetics
Classification: Likely benign. Last evaluated: 2024-08-22. Review status: criteria provided, single submitter. Criteria: ACMG Guidelines, 2015. Collection method: clinical testing. Allele origin: germline.

GeneDx
Classification: Likely benign. Last evaluated: 2017-03-17. Review status: criteria provided, single submitter. Criteria: GeneDx Variant Classification (06012015). Collection method: clinical testing. Allele origin: germline. Affected: yes.
Comment: This variant is considered likely benign or benign based on one or more of the following criteria: it is a conservative change, it occurs at a poorly conserved position in the protein, it is predicted to be benign by multiple in silico algorithms, and/or has population frequency not consistent with disease.

PreventionGenetics, part of Exact Sciences
Classification: Likely benign. Review status: criteria provided, single submitter. Criteria: ACMG Guidelines, 2015. Collection method: clinical testing. Allele origin: germline.

NM_000070.3(CAPN3):c.499-13C>T

Gene: CAPN3 (calpain 3; plus strand). Cytogenetic location: 15q15.1.
Variant type: single nucleotide variant.
Coding change: c.499-13C>T on transcript NM_000070.3 (MANE Select); 13 bases into the intron before coding-DNA position 499, C replaced by T.
Molecular consequence: intron variant.
Genome position (GRCh38, 1-based): chr15:42,387,740, C>T. VCF-style: chr15-42387740-C-T. GRCh37 (hg19) VCF-style: chr15-42679938-C-T.
Other names: c.499-13C>T (NM_024344.2, NM_173087.2).
Identifiers: ClinVar variation 254875 (VCV000254875.10), dbSNP rs201344810, ClinGen allele CA7511045.